The following is an entry in ClinVar:

NM_000038.6(APC):c.6576A>G (p.Lys2192=)

Gene: APC (APC regulator of Wnt signaling pathway; plus strand). Cytogenetic location: 5q22.2.
Variant type: single nucleotide variant.
Coding change: c.6576A>G on transcript NM_000038.6 (MANE Select); coding-DNA position 6576, A replaced by G.
Protein change: p.Lys2192=; no amino-acid change (lysine 2192 retained).
Molecular consequence: synonymous variant.
Genome position (GRCh38, 1-based): chr5:112,842,170, A>G. VCF-style: chr5-112842170-A-G. GRCh37 (hg19) VCF-style: chr5-112177867-A-G.
Other names: c.6576A>G, p.Lys2192= (NM_001127510.3, NM_001354895.2); c.6522A>G, p.Lys2174= (NM_001127511.3); c.6630A>G, p.Lys2210= (NM_001354896.2); c.6606A>G, p.Lys2202= (NM_001354897.2); c.6501A>G, p.Lys2167= (NM_001354898.2); c.6492A>G, p.Lys2164= (NM_001354899.2); c.6453A>G, p.Lys2151= (NM_001354900.2); c.6399A>G, p.Lys2133= (NM_001354901.2); and 5 more.
Identifiers: ClinVar variation 232431 (VCV000232431.18), dbSNP rs876659760, ClinGen allele CA10578432.

ClinVar aggregate classification (germline): Benign/Likely benign. Review status: criteria provided, multiple submitters, no conflicts (2 of 4 stars). 5 submissions from 5 submitters: Benign (1); Likely benign (4). Last evaluated 2025-03-04.

Conditions:
Hereditary cancer-predisposing syndrome. Also called: Neoplastic Syndromes, Hereditary; Tumor predisposition; Hereditary Cancer Syndrome; Hereditary neoplastic syndrome. Identifiers: Orphanet 140162, MedGen C0027672, MeSH D009386, MONDO:0015356.
Familial adenomatous polyposis 1 (FAP1). Also called: FAMILIAL ADENOMATOUS POLYPOSIS 1, ATTENUATED; POLYPOSIS, ADENOMATOUS INTESTINAL. Identifiers: MedGen C2713442, MONDO:0021056, OMIM 175100. Disease mechanism: loss of function.

Allele frequency attached by ClinVar (database versions not stated): gnomAD exomes below 0.00001.
gnomAD v4.1: 1 of 1,612,566 alleles (0.000062%); highest among the groups gnomAD compares: Non-Finnish European, 0.000085%; no homozygotes.

Submissions (5):

Center for Genomic Medicine, Rigshospitalet, Copenhagen University Hospital
Classification: Likely benign. Last evaluated: 2025-03-04. Review status: criteria provided, single submitter. Criteria: ACMG Guidelines, 2015. Collection method: clinical testing. Allele origin: germline.

Labcorp Genetics (formerly Invitae), Labcorp
Classification: Likely benign for Familial adenomatous polyposis 1. Last evaluated: 2024-12-15. Review status: criteria provided, single submitter. Criteria: Invitae Variant Classification Sherloc (09022015). Collection method: clinical testing. Allele origin: germline.

Myriad Genetics, Inc.
Classification: Benign for Familial adenomatous polyposis 1. Last evaluated: 2024-04-05. Review status: criteria provided, single submitter. Criteria: Myriad Autosomal Dominant, Autosomal Recessive and X-Linked Classification Criteria (2023). Collection method: clinical testing. Allele origin: unknown.
Comment: This variant is considered benign. This variant is a silent/synonymous amino acid change and it is not expected to impact splicing.

Color Diagnostics, LLC DBA Color Health
Classification: Likely benign for Hereditary cancer-predisposing syndrome. Last evaluated: 2017-10-20. Review status: criteria provided, single submitter. Criteria: ACMG Guidelines, 2015. Collection method: clinical testing. Allele origin: germline.

Ambry Genetics
Classification: Likely benign for Hereditary cancer-predisposing syndrome. Last evaluated: 2015-06-18. Review status: criteria provided, single submitter. Criteria: Ambry Variant Classification Scheme 2023. Collection method: clinical testing. Allele origin: germline.